The following is an entry in ClinVar:

NM_138420.4(AHNAK2):c.5065G>A (p.Glu1689Lys)

Gene: AHNAK2 (AHNAK nucleoprotein 2; minus strand). Cytogenetic location: 14q32.33.
Variant type: single nucleotide variant.
Coding change: c.5065G>A on transcript NM_138420.4 (MANE Select); coding-DNA position 5065, G replaced by A.
Protein change: p.Glu1689Lys; replaces glutamic acid 1689 with lysine.
Molecular consequence: missense variant.
Genome position (GRCh38, 1-based): chr14:104,950,386, C>T on the plus strand (G>A on the coding strand, the complement: AHNAK2 is on the minus strand). VCF-style: chr14-104950386-C-T. GRCh37 (hg19) VCF-style: chr14-105416723-C-T.
Other names: c.4765G>A, p.Glu1589Lys (NM_001350929.2); short protein forms E1589K, E1689K.
Identifiers: ClinVar variation 2344857 (VCV002344857.16), dbSNP rs760072343, ClinGen allele CA7382021.
Genomic context (GRCh38, chr14:104,950,386, plus strand): 5'-GAATGCTGAGGTCAGTGGTCTTCAGGTCCCCCTGCATGGAGGGGAGGCTCACATCAGCTT[C>T]CACCTTCGGCTCAGACACATCCACCGAGGCCTCGATGGACTTGCCTGGGGCCGACACCCC-3'
Protein context (NP_612429.2, residues 1679-1699): ASVDVSEPKV[Glu1689Lys]ADVSLPSMQG

ClinVar aggregate classification (germline): Conflicting classifications of pathogenicity. Review status: criteria provided, conflicting classifications (1 of 4 stars). 2 submissions from 2 submitters: Uncertain significance (1); Likely benign (1). Last evaluated 2025-04-01.

Allele frequency attached by ClinVar (database versions not stated): gnomAD exomes 0.00042; ExAC 0.00046; gnomAD 0.00080; 1000 Genomes Project 30x 0.00125.

Submissions (2):

CeGaT Center for Human Genetics Tuebingen
Classification: Likely benign. Last evaluated: 2025-04-01. Review status: criteria provided, single submitter. Criteria: CeGaT Center For Human Genetics Tuebingen Variant Classification Criteria Version 2. Collection method: clinical testing. Allele origin: germline. Affected: yes. Observed: 2 variant alleles.
Comment: AHNAK2: BP4, BS2

Ambry Genetics
Classification: Uncertain significance. Last evaluated: 2021-10-27. Review status: criteria provided, single submitter. Criteria: Ambry Variant Classification Scheme 2023. Collection method: clinical testing. Allele origin: germline.